The following is an entry in ClinVar:

NM_181836.6(TMED7):c.656C>G (p.Thr219Arg)

Genes: TMED7-TICAM2 (TMED7-TICAM2 readthrough; minus strand), TMED7 (transmembrane p24 trafficking protein 7; minus strand), TICAM2-AS1 (TICAM2 antisense RNA 1; plus strand). Cytogenetic location: 5q22.3.
Variant type: single nucleotide variant.
Coding change: c.656C>G on transcript NM_181836.6 (MANE Select); coding-DNA position 656, C replaced by G.
Protein change: p.Thr219Arg; replaces threonine 219 with arginine.
Molecular consequence: missense variant. On other transcripts: intron variant (2).
Genome position (GRCh38, 1-based): chr5:115,616,228, G>C on the plus strand (C>G on the coding strand, the complement: TMED7 is on the minus strand). VCF-style: chr5-115616228-G-C. GRCh37 (hg19) VCF-style: chr5-114951925-G-C.
Other names: c.566+90C>G (NM_001164468.4, NM_001164469.4); short protein forms T219R.
Identifiers: ClinVar variation 3326607 (VCV003326607.2).

ClinVar aggregate classification (germline): Uncertain significance. Review status: criteria provided, multiple submitters, no conflicts (2 of 4 stars). 2 submissions from 2 submitters: Uncertain significance (2). Last evaluated 2025-04-22.

gnomAD v4.1: 1 of 1,614,016 alleles (0.000062%); highest among the groups gnomAD compares: African/African-American, 0.0013%; no homozygotes.

Submissions (2):

Labcorp Genetics (formerly Invitae), Labcorp
Classification: Uncertain significance. Last evaluated: 2025-04-22. Review status: criteria provided, single submitter. Criteria: Invitae Variant Classification Sherloc (09022015). Collection method: clinical testing. Allele origin: germline.
Comment: This sequence change replaces threonine, which is neutral and polar, with arginine, which is basic and polar, at codon 219 of the TMED7 protein (p.Thr219Arg). This variant is not present in population databases (gnomAD no frequency). This variant has not been reported in the literature in individuals affected with TMED7-related conditions. ClinVar contains an entry for this variant (Variation ID: 3326607). An algorithm developed to predict the effect of missense changes on protein structure and function (PolyPhen-2) suggests that this variant is likely to be disruptive. In summary, the available evidence is currently insufficient to determine the role of this variant in disease. Therefore, it has been classified as a Variant of Uncertain Significance.

Ambry Genetics
Classification: Uncertain significance. Last evaluated: 2024-04-23. Review status: criteria provided, single submitter. Criteria: Ambry Variant Classification Scheme 2023. Collection method: clinical testing. Allele origin: germline.